The following is an entry in ClinVar:

ClinVar aggregate classification (germline): Uncertain significance. Review status: criteria provided, multiple submitters, no conflicts (2 of 4 stars). 2 submissions from 2 submitters: Uncertain significance (2). Last evaluated 2023-11-09.

Conditions:
Capillary malformation-arteriovenous malformation syndrome. Also called: Capillary malformation-arteriovenous malformation. Identifiers: Orphanet 137667, MedGen C1842180, MONDO:0012016.
Cardiovascular phenotype. Identifiers: MedGen CN230736.

Allele frequency attached by ClinVar (database versions not stated): ExAC 0.00001; gnomAD exomes below 0.00001.
gnomAD v4.1: 1 of 1,611,990 alleles (0.000062%); no homozygotes.

Submissions (2):

Ambry Genetics
Classification: Uncertain significance for Cardiovascular phenotype. Last evaluated: 2023-11-09. Review status: criteria provided, single submitter. Criteria: Ambry Variant Classification Scheme 2023. Collection method: clinical testing. Allele origin: germline.

Labcorp Genetics (formerly Invitae), Labcorp
Classification: Uncertain significance for Capillary malformation-arteriovenous malformation syndrome. Last evaluated: 2021-09-06. Review status: criteria provided, single submitter. Criteria: Invitae Variant Classification Sherloc (09022015). Collection method: clinical testing. Allele origin: germline.
Comment: In summary, the available evidence is currently insufficient to determine the role of this variant in disease. Therefore, it has been classified as a Variant of Uncertain Significance. Algorithms developed to predict the effect of missense changes on protein structure and function are either unavailable or do not agree on the potential impact of this missense change (SIFT: "Tolerated"; PolyPhen-2: "Probably Damaging"; Align-GVGD: "Class C0"). This variant has not been reported in the literature in individuals affected with RASA1-related conditions. This variant is present in population databases (rs763292074, ExAC 0.002%). This sequence change replaces asparagine with tyrosine at codon 407 of the RASA1 protein (p.Asn407Tyr). The asparagine residue is moderately conserved and there is a large physicochemical difference between asparagine and tyrosine.

NM_002890.3(RASA1):c.1219A>T (p.Asn407Tyr)

Genes: CCNH (cyclin H; minus strand), RASA1 (RAS p21 protein activator 1; plus strand). Cytogenetic location: 5q14.3.
Variant type: single nucleotide variant.
Coding change: c.1219A>T on transcript NM_002890.3 (MANE Select); coding-DNA position 1219, A replaced by T.
Protein change: p.Asn407Tyr; replaces asparagine 407 with tyrosine.
Molecular consequence: missense variant. On other transcripts: intron variant (1).
Genome position (GRCh38, 1-based): chr5:87,349,330, A>T. VCF-style: chr5-87349330-A-T. GRCh37 (hg19) VCF-style: chr5-86645147-A-T.
Other names: c.688A>T, p.Asn230Tyr (NM_022650.3); c.934-36535T>A (NM_001364075.2); short protein forms N230Y, N407Y.
Identifiers: ClinVar variation 1477509 (VCV001477509.7), dbSNP rs763292074, ClinGen allele CA3335677.